The following is an entry in ClinVar:

ClinVar aggregate classification (germline): Uncertain significance (1 of 4 stars; one submission).

Submission:

GeneDx
Classification: Uncertain significance. Last evaluated: 2026-02-02. Review status: criteria provided, single submitter. Criteria: GeneDx Variant Classification Process June 2021. Collection method: clinical testing. Allele origin: germline.
Comment: Observed in a patient with autism spectrum disorder, developmental delay and unspecified brain MRI abnormalities; the variant was inherited from a mother with unknown clinical history (PMID: 31579823); Not observed at significant frequency in large population cohorts (gnomAD); Frameshift variant predicted to result in abnormal protein length as the last 9 amino acids are replaced with 16 different amino acids with an unclear effect on protein function; This variant is associated with the following publications: (PMID: 31579823)

NM_001007553.3(CSDE1):c.2368_2371del (p.Lys790fs)

Gene: CSDE1 (cold shock domain containing E1; minus strand). Cytogenetic location: 1p13.2.
Variant type: Microsatellite.
Coding change: c.2368_2371del on transcript NM_001007553.3 (MANE Select); coding-DNA positions 2368 to 2371, 4 bases deleted (AAGA; older notation c.2368_2371delAAGA).
Protein change: p.Lys790fs; shifts the reading frame from lysine 790.
Molecular consequence: frameshift variant.
Genome position (GRCh38, 1-based): chr1:114,718,195-114,718,198, TCTT deleted on the plus strand (AAGA on the coding strand, the reverse complement: CSDE1 is on the minus strand); deleting any 4 consecutive bases within chr1:114,718,195-114,718,205 gives the same sequence; the c. name uses the placement nearest the transcript's 3' end. VCF-style (leftmost placement, unchanged base first): chr1-114718194-ATCTT-A. GRCh37 (hg19) VCF-style: chr1-115260815-ATCTT-A.
Other names: c.2413_2416del, p.Lys805fs (NM_001130523.3); c.2506_2509del, p.Lys836fs (NM_001242891.2); c.2368_2371del, p.Lys790fs (NM_001242892.2); c.2275_2278del, p.Lys759fs (NM_001242893.2, NM_007158.6); short protein forms K759fs, K790fs, K805fs, K836fs.
Identifiers: ClinVar variation 4074373 (VCV004074373.2).